The following is an entry in ClinVar:

NM_000245.4(MET):c.1326A>G (p.Ile442Met)

Gene: MET (MET proto-oncogene, receptor tyrosine kinase; plus strand). Cytogenetic location: 7q31.2.
Variant type: single nucleotide variant.
Coding change: c.1326A>G on transcript NM_000245.4 (MANE Select); coding-DNA position 1326, A replaced by G.
Protein change: p.Ile442Met; replaces isoleucine 442 with methionine.
Molecular consequence: missense variant.
Genome position (GRCh38, 1-based): chr7:116,731,793, A>G. VCF-style: chr7-116731793-A-G. GRCh37 (hg19) VCF-style: chr7-116371847-A-G.
Other names: c.1326A>G, p.Ile442Met (NM_001127500.3, NM_001324401.3); c.36A>G, p.Ile12Met (NM_001324402.2); short protein forms I12M, I442M.
Identifiers: ClinVar variation 3872354 (VCV003872354.1).

ClinVar aggregate classification (germline): Uncertain significance (1 of 4 stars; one submission).

Conditions:
Hereditary cancer-predisposing syndrome. Also called: Tumor predisposition; Neoplastic Syndromes, Hereditary; Hereditary Cancer Syndrome; Hereditary neoplastic syndrome. Identifiers: Orphanet 140162, MedGen C0027672, MeSH D009386, MONDO:0015356.

gnomAD v4.1: 1 of 1,614,112 alleles (0.000062%); highest among the groups gnomAD compares: Non-Finnish European, 0.000085%; no homozygotes.

Submission:

Ambry Genetics
Classification: Uncertain significance for Hereditary cancer-predisposing syndrome. Last evaluated: 2024-12-21. Review status: criteria provided, single submitter. Criteria: Ambry Variant Classification Scheme 2023. Collection method: clinical testing. Allele origin: germline.
Comment: The p.I442M variant (also known as c.1326A>G), located in coding exon 2 of the MET gene, results from an A to G substitution at nucleotide position 1326. The isoleucine at codon 442 is replaced by methionine, an amino acid with highly similar properties. This amino acid position is conserved. In addition, this alteration is predicted to be tolerated by in silico analysis. Based on the available evidence, the clinical significance of this variant remains unclear.